The following is an entry in ClinVar:

ClinVar aggregate classification (germline): Uncertain significance. Review status: criteria provided, multiple submitters, no conflicts (2 of 4 stars). 2 submissions from 2 submitters: Uncertain significance (2). Last evaluated 2024-07-24.

Conditions:
Hereditary cancer-predisposing syndrome. Also called: Neoplastic Syndromes, Hereditary; Tumor predisposition; Hereditary Cancer Syndrome; Hereditary neoplastic syndrome. Identifiers: Orphanet 140162, MedGen C0027672, MeSH D009386, MONDO:0015356.
Hereditary nonpolyposis colorectal neoplasms. Identifiers: MedGen C0009405, MeSH D003123.

Submissions (2):

Labcorp Genetics (formerly Invitae), Labcorp
Classification: Uncertain significance for Hereditary nonpolyposis colorectal neoplasms. Last evaluated: 2024-07-24. Review status: criteria provided, single submitter. Criteria: Invitae Variant Classification Sherloc (09022015). Collection method: clinical testing. Allele origin: germline.
Comment: This sequence change replaces glycine, which is neutral and non-polar, with arginine, which is basic and polar, at codon 835 of the PMS2 protein (p.Gly835Arg). The frequency data for this variant in the population databases (gnomAD) is considered unreliable due to the presence of homologous sequence, such as pseudogenes or paralogs, in the genome. This variant has not been reported in the literature in individuals affected with PMS2-related conditions. ClinVar contains an entry for this variant (Variation ID: 821401). Advanced modeling of protein sequence and biophysical properties (such as structural, functional, and spatial information, amino acid conservation, physicochemical variation, residue mobility, and thermodynamic stability) performed at Invitae indicates that this missense variant is expected to disrupt PMS2 protein function with a positive predictive value of 80%. In summary, the available evidence is currently insufficient to determine the role of this variant in disease. Therefore, it has been classified as a Variant of Uncertain Significance.

Ambry Genetics
Classification: Uncertain significance for Hereditary cancer-predisposing syndrome. Last evaluated: 2019-10-22. Review status: criteria provided, single submitter. Criteria: Ambry Variant Classification Scheme 2023. Collection method: clinical testing. Allele origin: germline.
Comment: The p.G835R variant (also known as c.2503G>A), located in coding exon 15 of the PMS2 gene, results from a G to A substitution at nucleotide position 2503. The glycine at codon 835 is replaced by arginine, an amino acid with dissimilar properties. This amino acid position is highly conserved in available vertebrate species. In addition, this alteration is predicted to be deleterious by in silico analysis. Since supporting evidence is limited at this time, the clinical significance of this alteration remains unclear.

NM_000535.7(PMS2):c.2503G>A (p.Gly835Arg)

Gene: PMS2 (PMS1 homolog 2, mismatch repair system component; minus strand). Cytogenetic location: 7p22.1.
Variant type: single nucleotide variant.
Coding change: c.2503G>A on transcript NM_000535.7 (MANE Select); coding-DNA position 2503, G replaced by A.
Protein change: p.Gly835Arg; replaces glycine 835 with arginine.
Molecular consequence: missense variant. On other transcripts: non-coding transcript variant (1).
Genome position (GRCh38, 1-based): chr7:5,973,485, C>T on the plus strand (G>A on the coding strand, the complement: PMS2 is on the minus strand). VCF-style: chr7-5973485-C-T. GRCh37 (hg19) VCF-style: chr7-6013116-C-T.
Other names: c.2098G>A, p.Gly700Arg (NM_001322003.2, NM_001322004.2, NM_001322005.2); c.2347G>A, p.Gly783Arg (NM_001322006.2); c.2185G>A, p.Gly729Arg (NM_001322007.2, NM_001322008.2); c.2131G>A, p.Gly711Arg (NM_001322009.2); c.1942G>A, p.Gly648Arg (NM_001322010.2); c.1570G>A, p.Gly524Arg (NM_001322011.2, NM_001322012.2); c.1930G>A, p.Gly644Arg (NM_001322013.2); c.2536G>A, p.Gly846Arg (NM_001322014.2); and 1 more; short protein forms G700R, G783R, G846R, G732R, G835R, G524R, G644R, G648R.
Identifiers: ClinVar variation 821401 (VCV000821401.6), dbSNP rs1583269709, ClinGen allele CA366734919.